The following is an entry in ClinVar:

ClinVar aggregate classification (germline): Benign/Likely benign. Review status: criteria provided, multiple submitters, no conflicts (2 of 4 stars). 2 submissions from 2 submitters: Benign (1); Likely benign (1). Last evaluated 2026-02-01.

Conditions:
TP63-Related Spectrum Disorders.

Allele frequency attached by ClinVar (database versions not stated): gnomAD 0.00002 and 0.00013; TOPMed 0.00004; gnomAD exomes 0.00028 and 0.00057; ExAC 0.00059; 1000 Genomes Project 30x 0.00078; 1000 Genomes Project 0.00080.
gnomAD v4.1: 435 of 1,614,106 alleles (0.027%); highest among the groups gnomAD compares: South Asian, 0.39%; 1 homozygote.

Submissions (2):

CeGaT Center for Human Genetics Tuebingen
Classification: Likely benign. Last evaluated: 2026-02-01. Review status: criteria provided, single submitter. Criteria: CeGaT Center For Human Genetics Tuebingen Variant Classification Criteria Version 2. Collection method: clinical testing. Allele origin: germline. Affected: yes. Observed: 1 variant allele.
Comment: TP63: BP4, BP7

Labcorp Genetics (formerly Invitae), Labcorp
Classification: Benign. Last evaluated: 2024-10-03. Review status: criteria provided, single submitter. Criteria: Invitae Variant Classification Sherloc (09022015). Collection method: clinical testing. Allele origin: germline.

NM_003722.5(TP63):c.1062G>A (p.Ala354=)

Gene: TP63 (tumor protein p63; plus strand). Cytogenetic location: 3q28.
Variant type: single nucleotide variant.
Coding change: c.1062G>A on transcript NM_003722.5 (MANE Select); coding-DNA position 1062, G replaced by A.
Protein change: p.Ala354=; no amino-acid change (alanine 354 retained).
Molecular consequence: synonymous variant.
Genome position (GRCh38, 1-based): chr3:189,868,649, G>A. VCF-style: chr3-189868649-G-A. GRCh37 (hg19) VCF-style: chr3-189586438-G-A.
Other names: c.1062G>A, p.Ala354= (NM_001114978.2, NM_001114979.2, NM_001329144.2 and 1 more transcripts); c.780G>A, p.Ala260= (NM_001114980.2, NM_001114981.2, NM_001114982.2 and 2 more transcripts); c.525G>A, p.Ala175= (NM_001329146.2, NM_001329150.2); c.1056G>A, p.Ala352= (NM_001329964.2).
Identifiers: ClinVar variation 1613887 (VCV001613887.11), dbSNP rs34841666, ClinGen allele CA2752332.